The following is an entry in ClinVar:

ClinVar aggregate classification (germline): Pathogenic. Review status: criteria provided, multiple submitters, no conflicts (2 of 4 stars). 2 submissions from 2 submitters: Pathogenic (2). Last evaluated 2025-07-16.

Conditions:
Inborn genetic diseases. Identifiers: MedGen C0950123, MeSH D030342.
Vici syndrome (VICIS). Identifiers: Orphanet 1493, MedGen C1855772, MONDO:0009452, OMIM 242840.

Submissions (2):

Ambry Genetics
Classification: Pathogenic for Inborn genetic diseases. Last evaluated: 2025-07-16. Review status: criteria provided, single submitter. Criteria: Ambry Variant Classification Scheme 2023. Collection method: clinical testing. Allele origin: germline.
Comment: The c.1777_1781delGGGTT (p.G593*) alteration, located in exon 8 (coding exon 8) of the EPG5 gene, consists of a deletion of 5 nucleotides from position 1777 to 1781, causing a translational frameshift with a predicted alternate stop codon after amino acids. This alteration is expected to result in loss of function by premature protein truncation or nonsense-mediated mRNA decay. Based on data from gnomAD, the c.1777_1781delGGGTT (p.G593*) variant has an overall frequency of 0.001% (2/249534) total alleles studied. The highest observed frequency was 0.002% (2/113272) of European (non-Finnish) alleles. Based on the available evidence, this alteration is classified as pathogenic.

Labcorp Genetics (formerly Invitae), Labcorp
Classification: Pathogenic for Vici syndrome. Last evaluated: 2023-07-25. Review status: criteria provided, single submitter. Criteria: Invitae Variant Classification Sherloc (09022015). Collection method: clinical testing. Allele origin: germline.
Comment: This sequence change creates a premature translational stop signal (p.Gly593*) in the EPG5 gene. It is expected to result in an absent or disrupted protein product. Loss-of-function variants in EPG5 are known to be pathogenic (PMID: 23222957, 23674064). This variant is present in population databases (rs776146922, gnomAD 0.0009%). This variant has not been reported in the literature in individuals affected with EPG5-related conditions. ClinVar contains an entry for this variant (Variation ID: 1928829). For these reasons, this variant has been classified as Pathogenic.

Literature cited by the submitters: PubMed 23222957 (cited by Labcorp Genetics (formerly Invitae), Labcorp); PubMed 23674064 (cited by Labcorp Genetics (formerly Invitae), Labcorp).

NM_020964.3(EPG5):c.1777_1781del (p.Leu592_Gly593insTer)

Gene: EPG5 (ectopic P-granules 5 autophagy tethering factor; minus strand). Cytogenetic location: 18q21.1.
Variant type: Deletion.
Coding change: c.1777_1781del on transcript NM_020964.3 (MANE Select); coding-DNA positions 1777 to 1781, 5 bases deleted (GGGTT; older notation c.1777_1781delGGGTT).
Protein change: p.Leu592_Gly593insTer.
Molecular consequence: nonsense. On other transcripts: frameshift variant (2).
Genome position (GRCh38, 1-based): chr18:45,944,016-45,944,020, AACCC deleted on the plus strand (GGGTT on the coding strand, the reverse complement: EPG5 is on the minus strand); deleting any 5 consecutive bases within chr18:45,944,016-45,944,022 gives the same sequence; the c. name uses the placement nearest the transcript's 3' end. VCF-style (leftmost placement, unchanged base first): chr18-45944015-AAACCC-A. GRCh37 (hg19) VCF-style: chr18-43523981-AAACCC-A.
Other names: c.1775_1779delTTGGG, p.Gly593Terfs (NM_001410858.1, NM_001410859.1); c.1777_1781delGGGTT (NM_020964.2).
Identifiers: ClinVar variation 1928829 (VCV001928829.6), dbSNP rs776146922, ClinGen allele CA8949618.